The following is an entry in ClinVar:

ClinVar aggregate classification (germline): Benign. Review status: criteria provided, multiple submitters, no conflicts (2 of 4 stars). 2 submissions from 2 submitters: Benign (2). Last evaluated 2018-01-13.

Conditions:
Klippel-Feil syndrome 1, autosomal dominant (KFS1). Also called: CERVICAL VERTEBRAL FUSION, AUTOSOMAL DOMINANT. Identifiers: Orphanet 2345, MedGen C1861689, MONDO:0007306, OMIM 118100.

Allele frequency attached by ClinVar (database versions not stated): gnomAD 0.01287 and 0.01382; TOPMed 0.01494; 1000 Genomes Project 0.01538; 1000 Genomes Project 30x 0.01733.
gnomAD v4.1: 2,794 of 716,224 alleles (0.39%); highest among the groups gnomAD compares: African/African-American, 4.3%; 39 homozygotes.

Submissions (2):

Illumina Laboratory Services, Illumina
Classification: Benign for Klippel-Feil syndrome 1, autosomal dominant. Last evaluated: 2018-01-13. Review status: criteria provided, single submitter. Criteria: ICSL Variant Classification Criteria 13 December 2019. Collection method: clinical testing. Allele origin: germline.
Comment: This variant was observed in the ICSL laboratory as part of a predisposition screen in an ostensibly healthy population. It had not been previously curated by ICSL or reported in the Human Gene Mutation Database (HGMD: prior to June 1st, 2018), and was therefore a candidate for classification through an automated scoring system. Utilizing variant allele frequency, disease prevalence and penetrance estimates, and inheritance mode, an automated score was calculated to assess if this variant is too frequent to cause the disease. Based on the score and internal cut-off values, a variant classified as benign is not then subjected to further curation. The score for this variant resulted in a classification of benign for this disease.

Breakthrough Genomics
Classification: Benign. Review status: criteria provided, single submitter. Criteria: ACMG Guidelines, 2015. Collection method: not provided. Allele origin: germline. Inheritance: Autosomal recessive inheritance. Affected: yes.

NM_001001557.4(GDF6):c.*172A>G

Gene: GDF6 (growth differentiation factor 6; minus strand). Cytogenetic location: 8q22.1.
Variant type: single nucleotide variant.
Coding change: c.*172A>G on transcript NM_001001557.4 (MANE Select); 172 bases downstream of the stop codon, A replaced by G.
Molecular consequence: 3 prime UTR variant.
Genome position (GRCh38, 1-based): chr8:96,144,391, T>C on the plus strand (A>G on the coding strand, the complement: GDF6 is on the minus strand). VCF-style: chr8-96144391-T-C. GRCh37 (hg19) VCF-style: chr8-97156619-T-C.
Identifiers: ClinVar variation 364037 (VCV000364037.6), dbSNP rs115207215, ClinGen allele CA10625977.